The following is an entry in ClinVar:

NM_021008.4(DEAF1):c.634G>T (p.Gly212Cys)

Gene: DEAF1 (DEAF1 transcription factor; minus strand). Cytogenetic location: 11p15.5.
Variant type: single nucleotide variant.
Coding change: c.634G>T on transcript NM_021008.4 (MANE Select); coding-DNA position 634, G replaced by T.
Protein change: p.Gly212Cys; replaces glycine 212 with cysteine.
Molecular consequence: missense variant. On other transcripts: 5 prime UTR variant (1).
Genome position (GRCh38, 1-based): chr11:687,941, C>A on the plus strand (G>T on the coding strand, the complement: DEAF1 is on the minus strand). VCF-style: chr11-687941-C-A. GRCh37 (hg19) VCF-style: chr11-687941-C-A.
Other names: c.634G>T, p.Gly212Cys (NM_001293634.2); c.-93G>T (NM_001367390.1); short protein forms G212C.
Identifiers: ClinVar variation 1098350 (VCV001098350.2), dbSNP rs1057519565, ClinGen allele CA378933410.
Genomic context (GRCh38, chr11:687,941, plus strand): 5'-AACTTTGGAGTCTGAAGTGGCAGTCCTCACCTGAGCCGAGCCTGTTCTTGTACAGAGTGC[C>A]GCTGATGTTCCGGCACCGTACGGGCAGCTCACTGTCGTACACAGAAGGGTCCCAGTTGTA-3'
Protein context (NP_066288.2, residues 202-222): ELPVRCRNIS[Gly212Cys]TLYKNRLGSG

ClinVar aggregate classification (germline): Pathogenic (1 of 4 stars; one submission).

Submission:

Genetics Laboratory, UDIAT-Centre Diagnòstic, Hospital Universitari Parc Tauli
Classification: Pathogenic. Last evaluated: 2021-04-26. Review status: criteria provided, single submitter. Criteria: Parc Tauli Hospital Assertion Criteria 2021. Collection method: clinical testing. Allele origin: de novo. Inheritance: Autosomal dominant inheritance. Affected: yes. Observed: 1 heterozygote.
Comment: PM1_moderate;PM2_supporting;PM5_moderate;PM6_moderate;PP2_supporting;PP3_supporting